The following is an entry in ClinVar:

NM_005592.4(MUSK):c.119T>C (p.Leu40Ser)

Gene: MUSK (muscle associated receptor tyrosine kinase; plus strand). Cytogenetic location: 9q31.3.
Variant type: single nucleotide variant.
Coding change: c.119T>C on transcript NM_005592.4 (MANE Select); coding-DNA position 119, T replaced by C.
Protein change: p.Leu40Ser; replaces leucine 40 with serine.
Molecular consequence: missense variant.
Genome position (GRCh38, 1-based): chr9:110,682,713, T>C. VCF-style: chr9-110682713-T-C. GRCh37 (hg19) VCF-style: chr9-113444993-T-C.
Other names: c.119T>C (NM_005592.3); c.119T>C, p.Leu40Ser (NM_001166280.2, NM_001166281.2); short protein forms L40S.
Identifiers: ClinVar variation 1987743 (VCV001987743.2), dbSNP rs901935734, ClinGen allele CA198335371.

ClinVar aggregate classification (germline): Uncertain significance. Review status: criteria provided, multiple submitters, no conflicts (2 of 4 stars). 2 submissions from 2 submitters: Uncertain significance (2). Last evaluated 2024-12-09.

Conditions:
Congenital myasthenic syndrome 9. Also called: Myasthenic syndrome, congenital, 9, associated with acetylcholine receptor deficiency. Identifiers: Orphanet 590, MedGen C4225368, MONDO:0014587, OMIM 616325.
Fetal akinesia deformation sequence 1 (FADS1). Also called: Fetal akinesia sequence; Pena-Shokeir syndrome type I. Identifiers: Orphanet 994, MedGen C1276035, MONDO:0100101, OMIM 208150, HP:0001989.
Inborn genetic diseases. Identifiers: MedGen C0950123, MeSH D030342.

Allele frequency attached by ClinVar (database versions not stated): gnomAD exomes 0.00001; TOPMed 0.00001.
gnomAD v4.1: 9 of 1,612,828 alleles (0.00056%); highest among the groups gnomAD compares: Non-Finnish European, 0.00076%; no homozygotes.

Submissions (2):

Ambry Genetics
Classification: Uncertain significance for Inborn genetic diseases. Last evaluated: 2024-12-09. Review status: criteria provided, single submitter. Criteria: Ambry Variant Classification Scheme 2023. Collection method: clinical testing. Allele origin: germline.

Labcorp Genetics (formerly Invitae), Labcorp
Classification: Uncertain significance for Congenital myasthenic syndrome 9; Fetal akinesia deformation sequence 1. Last evaluated: 2022-09-23. Review status: criteria provided, single submitter. Criteria: Invitae Variant Classification Sherloc (09022015). Collection method: clinical testing. Allele origin: germline.
Comment: This sequence change replaces leucine, which is neutral and non-polar, with serine, which is neutral and polar, at codon 40 of the MUSK protein (p.Leu40Ser). This variant is present in population databases (no rsID available, gnomAD 0.0009%). This variant has not been reported in the literature in individuals affected with MUSK-related conditions. Advanced modeling of protein sequence and biophysical properties (such as structural, functional, and spatial information, amino acid conservation, physicochemical variation, residue mobility, and thermodynamic stability) performed at Invitae indicates that this missense variant is not expected to disrupt MUSK protein function. In summary, the available evidence is currently insufficient to determine the role of this variant in disease. Therefore, it has been classified as a Variant of Uncertain Significance.